The following is an entry in ClinVar:

ClinVar aggregate classification (germline): Uncertain significance (0 of 4 stars; one submission).

Conditions:
BBS9-related disorder. Also called: BBS9-related condition.

gnomAD v4.1: 1 of 152,018 alleles (0.00066%); highest among the groups gnomAD compares: Non-Finnish European, 0.0015%; no homozygotes.

Submission:

PreventionGenetics, part of Exact Sciences
Classification: Uncertain significance for BBS9-related condition. Last evaluated: 2024-08-06. Review status: no assertion criteria provided. Collection method: clinical testing. Allele origin: germline.
Comment: The BBS9 c.2635C>G variant is predicted to result in the amino acid substitution p.Pro879Ala. This variant is in an alternately spliced exon and in the canonical transcript (NM_198428) this variant is located downstream of the gene (c.*29953C>G). To our knowledge, this variant has not been reported in the literature or in a large population database, indicating this variant is rare. At this time, the clinical significance of this variant is uncertain due to the absence of conclusive functional and genetic evidence.

NM_001348041.4(BBS9):c.2635C>G (p.Pro879Ala)

Gene: BBS9 (Bardet-Biedl syndrome 9; plus strand). Cytogenetic location: 7p14.3.
Variant type: single nucleotide variant.
Coding change: c.2635C>G on transcript NM_001348041.4; coding-DNA position 2635, C replaced by G.
Protein change: p.Pro879Ala; replaces proline 879 with alanine.
Molecular consequence: missense variant.
Genome position (GRCh38, 1-based): chr7:33,635,179, C>G. VCF-style: chr7-33635179-C-G. GRCh37 (hg19) VCF-style: chr7-33674791-C-G.
Other names: c.2524C>G, p.Pro842Ala (NM_001362679.1); short protein forms P842A, P879A.
Identifiers: ClinVar variation 3344945 (VCV003344945.1).
Genomic context (GRCh38, chr7:33,635,179, plus strand): 5'-GCTGTGGGTGTTGGATGCCTCCTCTGCCATTACTCCCTCCATCTCTCTCTGTTCACAGAC[C>G]CCAGGACTGGACAGAGGATCGAGGCCTGGACCCTAAGAATACCCCACTCCCTGAGCCAGC-3'